The following is an entry in ClinVar:

NM_002160.4(TNC):c.36T>C (p.Phe12=)

Gene: TNC (tenascin C; minus strand). Cytogenetic location: 9q33.1.
Variant type: single nucleotide variant.
Coding change: c.36T>C on transcript NM_002160.4 (MANE Select); coding-DNA position 36, T replaced by C.
Protein change: p.Phe12=; no amino-acid change (phenylalanine 12 retained).
Molecular consequence: synonymous variant.
Genome position (GRCh38, 1-based): chr9:115,090,983, A>G on the plus strand (T>C on the coding strand, the complement: TNC is on the minus strand). VCF-style: chr9-115090983-A-G. GRCh37 (hg19) VCF-style: chr9-117853262-A-G.
Other names: c.36T>C, p.Phe12= (NM_001410991.1, NM_001439065.1, NM_001439066.1 and 35 more transcripts).
Identifiers: ClinVar variation 4980327 (VCV004980327.1).

ClinVar aggregate classification (germline): Likely benign (1 of 4 stars; one submission).

Conditions:
TNC-related disorder. Also called: TNC-related condition.

gnomAD v4.1: 192 of 1,613,398 alleles (0.012%); highest among the groups gnomAD compares: Non-Finnish European, 0.016%; no homozygotes.

Submission:

PreventionGenetics, part of Exact Sciences
Classification: Likely benign for TNC-related condition. Last evaluated: 2026-04-28. Review status: criteria provided, single submitter. Criteria: ACMG Guidelines, 2015. Collection method: clinical testing. Allele origin: germline.
Comment: This variant is classified as likely benign based on ACMG/AMP sequence variant interpretation guidelines (Richards et al. 2015 PMID: 25741868, with internal and published modifications).